The following is an entry in ClinVar:

NM_001242896.3(DEPDC5):c.4354G>A (p.Gly1452Ser)

Gene: DEPDC5 (DEP domain containing 5, GATOR1 subcomplex subunit; plus strand). Cytogenetic location: 22q12.3.
Variant type: single nucleotide variant.
Coding change: c.4354G>A on transcript NM_001242896.3 (MANE Select); coding-DNA position 4354, G replaced by A.
Protein change: p.Gly1452Ser; replaces glycine 1452 with serine.
Molecular consequence: missense variant. On other transcripts: non-coding transcript variant (5).
Genome position (GRCh38, 1-based): chr22:31,897,632, G>A. VCF-style: chr22-31897632-G-A. GRCh37 (hg19) VCF-style: chr22-32293618-G-A.
Other names: c.4327G>A, p.Gly1443Ser (NM_001136029.4); c.4054G>A, p.Gly1352Ser (NM_001242897.2); c.4288G>A, p.Gly1430Ser (NM_001363852.2, NM_001364320.2); c.4120G>A, p.Gly1374Ser (NM_001363854.2, NM_001364319.2); c.4354G>A, p.Gly1452Ser (NM_001364318.2); c.4270G>A, p.Gly1424Ser (NM_001369901.1, NM_001369902.1); c.4261G>A, p.Gly1421Ser (NM_001369903.1, NM_014662.6); short protein forms G1352S, G1452S, G1424S, G1374S, G1421S, G1430S, G1443S.
Identifiers: ClinVar variation 565702 (VCV000565702.16), dbSNP rs1452980660, ClinGen allele CA411289057.

ClinVar aggregate classification (germline): Uncertain significance. Review status: criteria provided, multiple submitters, no conflicts (2 of 4 stars). 5 submissions from 5 submitters: Uncertain significance (5). Last evaluated 2025-05-04.

Conditions:
Inborn genetic diseases. Identifiers: MedGen C0950123, MeSH D030342.
Epilepsy, familial focal, with variable foci 1 (FFEVF1). Also called: DEPDC5-Related Epilepsy. Identifiers: MedGen C4551983, MONDO:0024556, OMIM 604364.
Familial focal epilepsy with variable foci (FPEVF). Identifiers: Orphanet 98820, MedGen C1858477, MONDO:0020310.

Allele frequency attached by ClinVar (database versions not stated): gnomAD exomes below 0.00001 and 0.00001; TOPMed below 0.00001; gnomAD 0.00001.
gnomAD v4.1: 8 of 1,613,880 alleles (0.0005%); highest among the groups gnomAD compares: East Asian, 0.013%; no homozygotes.

Submissions (5):

Labcorp Genetics (formerly Invitae), Labcorp
Classification: Uncertain significance for Familial focal epilepsy with variable foci. Last evaluated: 2025-05-04. Review status: criteria provided, single submitter. Criteria: Invitae Variant Classification Sherloc (09022015). Collection method: clinical testing. Allele origin: germline.
Comment: This sequence change replaces glycine, which is neutral and non-polar, with serine, which is neutral and polar, at codon 1452 of the DEPDC5 protein (p.Gly1452Ser). The frequency data for this variant in the population databases is considered unreliable, as metrics indicate poor data quality at this position in the gnomAD database. This variant has not been reported in the literature in individuals affected with DEPDC5-related conditions. ClinVar contains an entry for this variant (Variation ID: 565702). Experimental studies and prediction algorithms are not available or were not evaluated, and the functional significance of this variant is currently unknown. In summary, the available evidence is currently insufficient to determine the role of this variant in disease. Therefore, it has been classified as a Variant of Uncertain Significance.

Ambry Genetics
Classification: Uncertain significance for Inborn genetic diseases. Last evaluated: 2023-12-27. Review status: criteria provided, single submitter. Criteria: Ambry Variant Classification Scheme 2023. Collection method: clinical testing. Allele origin: germline.

GeneDx
Classification: Uncertain significance. Last evaluated: 2023-11-15. Review status: criteria provided, single submitter. Criteria: GeneDx Variant Classification Process June 2021. Collection method: clinical testing. Allele origin: germline. Affected: yes.
Comment: In silico analysis supports that this missense variant has a deleterious effect on protein structure/function; Has not been previously published as pathogenic or benign to our knowledge

Blueprint Genetics
Classification: Uncertain significance. Last evaluated: 2021-06-23. Review status: criteria provided, single submitter. Criteria: ACMG Guidelines, 2015. Collection method: clinical testing. Allele origin: germline.

Juno Genomics, Hangzhou Juno Genomics, Inc
Classification: Uncertain significance for Epilepsy, familial focal, with variable foci 1. Review status: criteria provided, single submitter. Criteria: ACMG Guidelines, 2015. Collection method: clinical testing. Allele origin: germline. Affected: yes.
Comment: Absent from controls (or at extremely low frequency if recessive) in Genome Aggregation Database, Exome Sequencing Project, 1000 Genomes Project, or Exome Aggregation Consortium.